The following is an entry in ClinVar:

ClinVar aggregate classification (germline): Pathogenic. Review status: criteria provided, multiple submitters, no conflicts (2 of 4 stars). 5 submissions from 5 submitters: Pathogenic (4). 1 of the submissions does not count toward it. Last evaluated 2025-05-30.

Conditions:
Hereditary cancer-predisposing syndrome. Also called: Neoplastic Syndromes, Hereditary; Hereditary neoplastic syndrome; Hereditary Cancer Syndrome; Tumor predisposition. Identifiers: Orphanet 140162, MedGen C0027672, MeSH D009386, MONDO:0015356.
Breast-ovarian cancer, familial, susceptibility to, 1 (BROVCA1). Also called: BRCA1 Hereditary Breast and Ovarian Cancer; OVARIAN CANCER, SUSCEPTIBILITY TO. Identifiers: Orphanet 145, MedGen C2676676, MONDO:0011450, OMIM 604370. Disease mechanism: loss of function.
Hereditary breast ovarian cancer syndrome. Also called: Hereditary breast and ovarian cancer syndrome; Breast and ovarian cancer; Hereditary breast and ovarian cancer syndrome (HBOC); Hereditary breast and/or ovarian cancer syndrome; BRCA1- and BRCA2-Associated Hereditary Breast and Ovarian Cancer; Hereditary breast and ovarian cancer. Identifiers: Orphanet 145, MedGen C0677776, MeSH D061325, MONDO:0003582. Disease mechanism: loss of function.

Submissions (5):

Labcorp Genetics (formerly Invitae), Labcorp
Classification: Pathogenic for Hereditary breast ovarian cancer syndrome. Last evaluated: 2025-05-30. Review status: criteria provided, single submitter. Criteria: Invitae Variant Classification Sherloc (09022015). Collection method: clinical testing. Allele origin: germline.
Comment: This sequence change creates a premature translational stop signal (p.Leu290*) in the BRCA1 gene. It is expected to result in an absent or disrupted protein product. Loss-of-function variants in BRCA1 are known to be pathogenic (PMID: 20104584). This variant is not present in population databases (gnomAD no frequency). This variant has not been reported in the literature in individuals affected with BRCA1-related conditions. ClinVar contains an entry for this variant (Variation ID: 371981). For these reasons, this variant has been classified as Pathogenic.

Baylor Genetics
Classification: Pathogenic for Breast-ovarian cancer, familial, susceptibility to, 1. Last evaluated: 2024-03-21. Review status: criteria provided, single submitter. Criteria: ACMG Guidelines, 2015. Collection method: clinical testing. Allele origin: unknown.

Women's Health and Genetics/Laboratory Corporation of America, LabCorp
Classification: Pathogenic for Hereditary breast and ovarian cancer syndrome. Last evaluated: 2019-10-29. Review status: criteria provided, single submitter. Criteria: LabCorp Variant Classification Summary - May 2015. Collection method: clinical testing. Allele origin: germline.
Comment: Variant summary: BRCA1 c.869T>A (p.Leu290X) results in a premature termination codon, predicted to cause a truncation of the encoded protein or absence of the protein due to nonsense mediated decay, which are commonly known mechanisms for disease. Truncations downstream of this position have been classified as pathogenic by our laboratory. The variant was absent in 251130 control chromosomes (gnomAD). To our knowledge, no occurrence of c.869T>A in individuals affected with Hereditary Breast and Ovarian Cancer and no experimental evidence demonstrating its impact on protein function have been reported. However, another variant at this position, c.869T>G, likewise resulting in truncation of the BRCA1 protein (p.Leu290X), has been observed in individuals affected with Hereditary Breast and Ovarian Cancer (e.g. PMID: 26681312, PMID: 29446198) and has been cited as pathogenic in ClinVar (reviewed by expert panel, ENIGMA). A ClinVar submitter (evaluation after 2014) cites the variant as likely pathogenic. Based on the evidence outlined above, the variant was classified as pathogenic.

Ambry Genetics
Classification: Pathogenic for Hereditary cancer-predisposing syndrome. Last evaluated: 2016-12-13. Review status: criteria provided, single submitter. Criteria: Ambry Variant Classification Scheme 2023. Collection method: clinical testing. Allele origin: germline.
Comment: The p.L290* pathogenic mutation (also known as c.869T>A), located in coding exon 9 of the BRCA1 gene, results from a T to A substitution at nucleotide position 869. This changes the amino acid from a leucine to a stop codon within coding exon 9. This alteration is expected to result in loss of function by premature protein truncation or nonsense-mediated mRNA decay. As such, this alteration is interpreted as a disease-causing mutation.

Counsyl
Classification: Likely pathogenic for Breast-ovarian cancer, familial, susceptibility to, 1. Last evaluated: 2016-09-27. Review status: no assertion criteria provided. Collection method: clinical testing. Allele origin: unknown. Not counted in ClinVar's aggregate classification.

Literature cited by the submitters: PubMed 20104584 (cited by Labcorp Genetics (formerly Invitae), Labcorp).

NM_007294.4(BRCA1):c.869T>A (p.Leu290Ter)

Gene: BRCA1 (BRCA1 DNA repair associated; minus strand). Cytogenetic location: 17q21.31.
Variant type: single nucleotide variant.
Coding change: c.869T>A on transcript NM_007294.4 (MANE Select); coding-DNA position 869, T replaced by A.
Protein change: p.Leu290Ter; replaces leucine 290 with a stop codon.
Molecular consequence: nonsense. On other transcripts: 5 prime UTR variant (2), intron variant (137).
Genome position (GRCh38, 1-based): chr17:43,094,662, A>T on the plus strand (T>A on the coding strand, the complement: BRCA1 is on the minus strand). VCF-style: chr17-43094662-A-T. GRCh37 (hg19) VCF-style: chr17-41246679-A-T.
Other names: c.656T>A, p.Leu219Ter (NM_001407571.1, NM_001407897.1, NM_001407898.1 and 9 more transcripts); c.869T>A, p.Leu290Ter (NM_001407581.1, NM_001407582.1, NM_001407583.1 and 30 more transcripts); c.866T>A, p.Leu289Ter (NM_001407587.1, NM_001407590.1, NM_001407591.1 and 22 more transcripts); c.860T>A, p.Leu287Ter (NM_001407646.1, NM_001407647.1); c.746T>A, p.Leu249Ter (NM_001407648.1, NM_001407667.1, NM_001407668.1 and 19 more transcripts); c.743T>A, p.Leu248Ter (NM_001407649.1, NM_001407670.1, NM_001407671.1 and 11 more transcripts); c.791T>A, p.Leu264Ter (NM_001407653.1, NM_001407654.1, NM_001407655.1 and 4 more transcripts); c.728T>A, p.Leu243Ter (NM_001407692.1, NM_001407694.1, NM_001407695.1 and 29 more transcripts); and 40 more; short protein forms L290*, L243*, L223*, L242*, L249*, L264*, L287*, L162*.
Identifiers: ClinVar variation 371981 (VCV000371981.17), dbSNP rs730881468, ClinGen allele CA10600340.